The following is an entry in ClinVar:

ClinVar aggregate classification (germline): Uncertain significance (1 of 4 stars; one submission).

Conditions:
Biotin-responsive basal ganglia disease (BTBGD). Also called: Thiamine metabolism dysfunction syndrome type 2; Thiamine metabolism dysfunction syndrome 2 (biotin- or thiamine-responsive encephalopathy type 2); THIAMINE METABOLISM DYSFUNCTION SYNDROME 2 (BIOTIN- AND THIAMINE-RESPONSIVE TYPE); Thiamine Transporter-2 Deficiency; thiamine-responsive encephalopathy. Identifiers: Orphanet 199348, Orphanet 65284, MedGen C1843807, MONDO:0011841, OMIM 607483.

Submission:

Labcorp Genetics (formerly Invitae), Labcorp
Classification: Uncertain significance for Biotin-responsive basal ganglia disease. Last evaluated: 2024-02-16. Review status: criteria provided, single submitter. Criteria: Invitae Variant Classification Sherloc (09022015). Collection method: clinical testing. Allele origin: germline.
Comment: This sequence change replaces valine, which is neutral and non-polar, with isoleucine, which is neutral and non-polar, at codon 406 of the SLC19A3 protein (p.Val406Ile). This variant is not present in population databases (gnomAD no frequency). This variant has not been reported in the literature in individuals affected with SLC19A3-related conditions. ClinVar contains an entry for this variant (Variation ID: 1348596). Advanced modeling of protein sequence and biophysical properties (such as structural, functional, and spatial information, amino acid conservation, physicochemical variation, residue mobility, and thermodynamic stability) performed at Invitae indicates that this missense variant is not expected to disrupt SLC19A3 protein function with a negative predictive value of 80%. In summary, the available evidence is currently insufficient to determine the role of this variant in disease. Therefore, it has been classified as a Variant of Uncertain Significance.

NM_025243.4(SLC19A3):c.1216G>A (p.Val406Ile)

Gene: SLC19A3 (solute carrier family 19 member 3; minus strand). Cytogenetic location: 2q36.3.
Variant type: single nucleotide variant.
Coding change: c.1216G>A on transcript NM_025243.4 (MANE Select); coding-DNA position 1216, G replaced by A.
Protein change: p.Val406Ile; replaces valine 406 with isoleucine.
Molecular consequence: missense variant.
Genome position (GRCh38, 1-based): chr2:227,688,264, C>T on the plus strand (G>A on the coding strand, the complement: SLC19A3 is on the minus strand). VCF-style: chr2-227688264-C-T. GRCh37 (hg19) VCF-style: chr2-228552980-C-T.
Other names: c.1216G>A, p.Val406Ile (NM_001371411.1, NM_001371412.1); c.1204G>A, p.Val402Ile (NM_001371413.1, NM_001371414.1); short protein forms V402I, V406I.
Identifiers: ClinVar variation 1348596 (VCV001348596.8), dbSNP rs1165860726, ClinGen allele CA350875534.